The following is an entry in ClinVar:

NM_002506.3(NGF):c.482G>C (p.Gly161Ala)

Genes: NGF (nerve growth factor; minus strand), NGF-AS1 (NGF antisense RNA 1; plus strand). Cytogenetic location: 1p13.2.
Variant type: single nucleotide variant.
Coding change: c.482G>C on transcript NM_002506.3 (MANE Select); coding-DNA position 482, G replaced by C.
Protein change: p.Gly161Ala; replaces glycine 161 with alanine.
Molecular consequence: missense variant.
Genome position (GRCh38, 1-based): chr1:115,286,314, C>G on the plus strand (G>C on the coding strand, the complement: NGF is on the minus strand). VCF-style: chr1-115286314-C-G. GRCh37 (hg19) VCF-style: chr1-115828935-C-G.
Other names: short protein forms G161A.
Identifiers: ClinVar variation 1743419 (VCV001743419.2), dbSNP rs139830389, ClinGen allele CA1022965.

ClinVar aggregate classification (germline): Uncertain significance (1 of 4 stars; one submission).

Conditions:
Inborn genetic diseases. Identifiers: MedGen C0950123, MeSH D030342.

Allele frequency attached by ClinVar (database versions not stated): ExAC 0.00001; gnomAD 0.00001; TOPMed 0.00002; ESP Exome Variant Server 0.00008.
gnomAD v4.1: 3 of 1,614,082 alleles (0.00019%); highest among the groups gnomAD compares: African/African-American, 0.0027%; no homozygotes.

Submission:

Ambry Genetics
Classification: Uncertain significance for Inborn genetic diseases. Last evaluated: 2020-01-08. Review status: criteria provided, single submitter. Criteria: Ambry Variant Classification Scheme 2023. Collection method: clinical testing. Allele origin: germline.
Comment: The p.G161A variant (also known as c.482G>C), located in coding exon 1 of the NGF gene, results from a G to C substitution at nucleotide position 482. The glycine at codon 161 is replaced by alanine, an amino acid with similar properties. This amino acid position is poorly conserved in available vertebrate species. In addition, this alteration is predicted to be tolerated by in silico analysis. Since supporting evidence is limited at this time, the clinical significance of this alteration remains unclear.